The following is an entry in ClinVar:

NM_001042492.3(NF1):c.4219A>G (p.Ser1407Gly)

Gene: NF1 (neurofibromin 1; plus strand). Cytogenetic location: 17q11.2.
Variant type: single nucleotide variant.
Coding change: c.4219A>G on transcript NM_001042492.3 (MANE Select); coding-DNA position 4219, A replaced by G.
Protein change: p.Ser1407Gly; replaces serine 1407 with glycine.
Molecular consequence: missense variant.
Genome position (GRCh38, 1-based): chr17:31,258,389, A>G. VCF-style: chr17-31258389-A-G. GRCh37 (hg19) VCF-style: chr17-29585407-A-G.
Other names: c.4156A>G, p.Ser1386Gly (NM_000267.4); short protein forms S1386G, S1407G.
Identifiers: ClinVar variation 141448 (VCV000141448.34), dbSNP rs587781755, ClinGen allele CA165427.

ClinVar aggregate classification (germline): Conflicting classifications of pathogenicity. Review status: criteria provided, conflicting classifications (1 of 4 stars). 13 submissions from 12 submitters: Uncertain significance (11); Likely benign (2). Last evaluated 2026-10-01.

Conditions:
Hereditary cancer-predisposing syndrome. Also called: Tumor predisposition; Neoplastic Syndromes, Hereditary; Hereditary neoplastic syndrome; Hereditary Cancer Syndrome. Identifiers: Orphanet 140162, MedGen C0027672, MeSH D009386, MONDO:0015356.
Neurofibromatosis, type 1 (NF1). Also called: NEUROFIBROMATOSIS, TYPE I, SOMATIC; Peripheral type neurofibromatosis; VON RECKLINGHAUSEN DISEASE; Neurofibromatosis, type I. Identifiers: Orphanet 636, MedGen C0027831, MONDO:0018975, OMIM 162200. Disease mechanism: loss of function.
Juvenile myelomonocytic leukemia (JMML). Also called: LEUKEMIA, JUVENILE MYELOMONOCYTIC, SOMATIC. Identifiers: Orphanet 86834, MedGen C0349639, MONDO:0011908, OMIM 607785, HP:0012209.
Cardiovascular phenotype. Identifiers: MedGen CN230736.
Neurofibromatosis-Noonan syndrome (NFNS). Also called: NEUROFIBROMATOSIS WITH NOONAN PHENOTYPE. Identifiers: Orphanet 638, MedGen C2931482, MONDO:0011035, OMIM 601321. Disease mechanism: loss of function.
Café-au-lait macules with pulmonary stenosis (WTSN). Also called: PULMONIC STENOSIS WITH CAFE-AU-LAIT SPOTS. Identifiers: MedGen C0553586, MONDO:0008672, OMIM 193520.
Neurofibromatosis, familial spinal (FSNF). Identifiers: Orphanet 636, MedGen C1834235, MONDO:0008078, OMIM 162210. Disease mechanism: loss of function.

Allele frequency attached by ClinVar (database versions not stated): gnomAD exomes below 0.00001 and 0.00002; TOPMed 0.00001.
gnomAD v4.1: 25 of 1,613,978 alleles (0.0015%); highest among the groups gnomAD compares: Non-Finnish European, 0.0021%; no homozygotes.

Submissions (13):

St. Jude Molecular Pathology, St. Jude Children's Research Hospital
Classification: Uncertain significance for Neurofibromatosis, type 1. Last evaluated: 2026-10-01. Review status: criteria provided, single submitter. Criteria: St. Jude Assertion Criteria 2020. Collection method: clinical testing. Allele origin: germline.
Comment: The NF1 c.4156A>G p.(Ser1386Gly) missense change has a maximum subpopulation frequency of 0.00088% in gnomAD v2.1.1. The in silico tool REVEL is inconclusive about a pathogenic or benign effect of this variant on protein function, and to our knowledge functional studies have not been performed. To our knowledge, this variant has not been reported in individuals with Neurofibromatosis type 1. In summary, the evidenc e currently available is insufficient to determine the clinical significance of this variant. It has therefore been classified as of uncertain significance.

CeGaT Center for Human Genetics Tuebingen
Classification: Uncertain significance. Last evaluated: 2026-06-01. Review status: criteria provided, single submitter. Criteria: CeGaT Center For Human Genetics Tuebingen Variant Classification Criteria Version 2. Collection method: clinical testing. Allele origin: germline. Affected: yes. Observed: 1 variant allele.

Labcorp Genetics (formerly Invitae), Labcorp
Classification: Likely benign for Neurofibromatosis, type 1. Last evaluated: 2026-02-03. Review status: criteria provided, single submitter. Criteria: Invitae Variant Classification Sherloc (09022015). Collection method: clinical testing. Allele origin: germline.

Ambry Genetics
Classification: Likely benign for Cardiovascular phenotype; Hereditary cancer-predisposing syndrome. Last evaluated: 2024-11-06. Review status: criteria provided, single submitter. Criteria: Ambry Variant Classification Scheme 2023. Collection method: clinical testing. Allele origin: germline.

ARUP Laboratories, Molecular Genetics and Genomics, ARUP Laboratories
Classification: Uncertain significance. Last evaluated: 2024-02-14. Review status: criteria provided, single submitter. Criteria: ARUP Molecular Germline Variant Investigation Process 2024. Collection method: clinical testing. Allele origin: germline.
Comment: The NF1 c.4219A>G; p.Ser1407Gly variant (rs587781755), to our knowledge, is not reported in medical literature in association with NF1-associated disorders, but is reported in ClinVar (Variation ID: 141448). This variant is only found on one allele in the Genome Aggregation Database (v2.1.1). Computational analyses are uncertain whether this variant is neutral or deleterious (REVEL: 0.635). Due to limited information, the clinical significance of this variant is uncertain at this time.

GeneDx
Classification: Uncertain significance. Last evaluated: 2023-09-21. Review status: criteria provided, single submitter. Criteria: GeneDx Variant Classification Process June 2021. Collection method: clinical testing. Allele origin: germline. Affected: yes.
Comment: In silico analysis supports that this missense variant has a deleterious effect on protein structure/function; Observed in an individual with severe bilateral ventriculomegaly, aqueductal stenosis, gray matter heterotopia, and polyhydramnios (Tolusso et al., 2021); Observed in cases and controls in a breast cancer case-control study (Dorling et al., 2021); Also known as 4219A>G; This variant is associated with the following publications: (PMID: 25486365, 22807134, 33442022, 33471991)

Baylor Genetics
Classification: Uncertain significance for Juvenile myelomonocytic leukemia. Last evaluated: 2023-08-30. Review status: criteria provided, single submitter. Criteria: ACMG Guidelines, 2015. Collection method: clinical testing. Allele origin: unknown.

Genome-Nilou Lab
Classification: Uncertain significance for Neurofibromatosis, type 1. Last evaluated: 2022-03-15. Review status: criteria provided, single submitter. Criteria: ACMG Guidelines, 2015. Collection method: clinical testing. Allele origin: germline. Affected: no.

Sema4
Classification: Uncertain significance for Hereditary cancer-predisposing syndrome. Last evaluated: 2021-12-15. Review status: criteria provided, single submitter. Criteria: Sema4 Curation Guidelines. Collection method: curation. Allele origin: germline.
Comment: The NF1 c.4156A>G (p.S1386G) variant has been reported in heterozygosity in at least two individuals with breast cancer and at least two unaffected controls (PMID: 33471991). It was observed in 1/113610 chromosomes in the Non-Finnish European subpopulation in the large and broad cohorts of the Genome Aggregation Database (PMID: 32461654). The variant has been reported in ClinVar (Variation ID: 141448). Functional studies have not been performed, and in silico predictions of the variant's effect on protein function are inconclusive. The evidence is insufficient to meet ACMG/AMP criteria for classifying the variant as benign or pathogenic. Thus, the clinical significance of this variant is currently uncertain.

Fulgent Genetics
Classification: Uncertain significance for Neurofibromatosis, type 1; Neurofibromatosis, familial spinal; Café-au-lait macules with pulmonary stenosis; Neurofibromatosis-Noonan syndrome; Juvenile myelomonocytic leukemia. Last evaluated: 2021-11-11. Review status: criteria provided, single submitter. Criteria: ACMG Guidelines, 2015. Collection method: clinical testing. Allele origin: unknown.

Genetic Services Laboratory, University of Chicago
Classification: Uncertain significance. Last evaluated: 2020-10-07. Review status: criteria provided, single submitter. Criteria: ACMG Guidelines, 2015. Collection method: clinical testing. Allele origin: germline. Affected: no.
Comment: DNA sequence analysis of the NF1 gene demonstrated a sequence change, c.4156A>G, in exon 31 that results in an amino acid change, p.Ser1386Gly. This sequence change does not appear to have been previously described in patients with NF1-related disorders and has been described in the gnomAD database with a low population frequency of 0.00040% (dbSNP rs587781755). The p.Ser1386Gly change affects a highly conserved amino acid residue located in a domain of the NF1 protein that is known to be functional. In-silico pathogenicity prediction tools (SIFT, PolyPhen2, Align GVGD, REVEL) provide contradictory results for the p.Ser1386Gly substitution. Due to these contrasting evidences and the lack of functional studies, the clinical significance of the p.Ser1386Gly change remains unknown at this time.

Centre for Mendelian Genomics, University Medical Centre Ljubljana
Classification: Uncertain significance for Neurofibromatosis, type 1. Last evaluated: 2016-01-01. Review status: criteria provided, single submitter. Criteria: ACMG Guidelines, 2015. Collection method: clinical testing. Allele origin: unknown. Affected: yes.
Comment: This variant was classified as: Uncertain significance. The following ACMG criteria were applied in classifying this variant: PP3.

Ambry Genetics
Classification: Uncertain significance for Hereditary cancer-predisposing syndrome. Last evaluated: 2015-09-22. Review status: criteria provided, single submitter. Criteria: Ambry Autosomal Dominant and X-Linked criteria (10/2015). Collection method: clinical testing. Allele origin: germline. Observed: 1 variant allele.
Comment: The p.S1407G variant (also known as c.4219A>G), located in coding exon 32 of the NF1 gene, results from an A to G substitution at nucleotide position 4219. The serine at codon 1407 is replaced by glycine, an amino acid with some similar properties. This variant was not reported in population based cohorts in the following databases: Database of Single Nucleotide Polymorphisms (dbSNP), NHLBI Exome Sequencing Project (ESP), and 1000 Genomes Project. <span style="background-color:initial">To date, this alteration has been detected with an allele frequency of approximately 0.004% (greater than 110000 alleles tested) in our clinical cohort.<span style="background-color:initial">This amino acid position is highly conserved in available vertebrate species. In addition, this alteration is predicted to be possibly damaging and deleterious by PolyPhen and SIFT in silico<span style="background-color:initial"> analyses, respectively. Since supporting evidence is limited at this time, the clinical significance of p.S1407G remains unclear.

Literature cited by the submitters: PubMed 33471991 (cited by Sema4).